The following is an entry in ClinVar:

ClinVar aggregate classification (germline): Uncertain significance (1 of 4 stars; one submission).

Conditions:
KSR2-related disorder. Also called: KSR2-related condition.

Allele frequency attached by ClinVar (database versions not stated): gnomAD 0.00010; 1000 Genomes Project 0.00040; 1000 Genomes Project 30x 0.00062.
gnomAD v4.1: 156 of 1,609,690 alleles (0.0097%); highest among the groups gnomAD compares: South Asian, 0.072%; 2 homozygotes.

Submission:

PreventionGenetics, part of Exact Sciences
Classification: Uncertain significance for KSR2-related condition. Last evaluated: 2026-03-20. Review status: criteria provided, single submitter. Criteria: ACMG Guidelines, 2015. Collection method: clinical testing. Allele origin: germline.
Comment: The KSR2 c.2366G>A variant is predicted to result in the amino acid substitution p.Arg789Gln. This variant has been reported in multiple individuals of a family with severe early-onset obesity; however, additional affected family members did not carry this variant (described as c.2453G>A, p.R818Q in Pearce et al. 2013. PubMed ID: 24209692, see Figure 1A and Supplemental Table S1). In vitro studies suggested the p.Arg789Gln substitution may affect cellular signaling (Pearce et al. 2013. PubMed ID: 24209692). This variant is reported in 0.093% of alleles in individuals of South Asian descent in gnomAD (overall 51 of ~274,000 alleles) including one homozygote which may be too frequent to be a primary cause of disease. Although we suspect that this variant may be benign, at this time, the clinical significance of this variant is uncertain due to the absence of conclusive functional and genetic evidence.

NM_173598.6(KSR2):c.2453G>A (p.Arg818Gln)

Gene: KSR2 (kinase suppressor of ras 2; minus strand). Cytogenetic location: 12q24.22.
Variant type: single nucleotide variant.
Coding change: c.2453G>A on transcript NM_173598.6 (MANE Select); coding-DNA position 2453, G replaced by A.
Protein change: p.Arg818Gln; replaces arginine 818 with glutamine.
Molecular consequence: missense variant.
Genome position (GRCh38, 1-based): chr12:117,476,593, C>T on the plus strand (G>A on the coding strand, the complement: KSR2 is on the minus strand). VCF-style: chr12-117476593-C-T. GRCh37 (hg19) VCF-style: chr12-117914398-C-T.
Other names: short protein forms R818Q.
Identifiers: ClinVar variation 2634248 (VCV002634248.4), dbSNP rs568149754, ClinGen allele CA6815705.